The following is an entry in ClinVar:

NM_017763.6(RNF43):c.1951C>A (p.His651Asn)

Gene: RNF43 (ring finger protein 43; minus strand). Cytogenetic location: 17q22.
Variant type: single nucleotide variant.
Coding change: c.1951C>A on transcript NM_017763.6 (MANE Select); coding-DNA position 1951, C replaced by A.
Protein change: p.His651Asn; replaces histidine 651 with asparagine.
Molecular consequence: missense variant.
Genome position (GRCh38, 1-based): chr17:58,357,825, G>T on the plus strand (C>A on the coding strand, the complement: RNF43 is on the minus strand). VCF-style: chr17-58357825-G-T. GRCh37 (hg19) VCF-style: chr17-56435186-G-T.
Other names: c.1951C>A, p.His651Asn (NM_001305544.3); c.1570C>A, p.His524Asn (NM_001305545.2); c.1951C>A (NM_017763.4); short protein forms H524N, H651N.
Identifiers: ClinVar variation 3240362 (VCV003240362.2), dbSNP rs2143395170.

ClinVar aggregate classification (germline): Uncertain significance. Review status: criteria provided, multiple submitters, no conflicts (2 of 4 stars). 2 submissions from 2 submitters: Uncertain significance (2). Last evaluated 2025-11-25.

Conditions:
Sessile serrated polyposis cancer syndrome (SSPCS). Identifiers: Orphanet 157798, MedGen C4310714, MONDO:0014919, OMIM 617108.

Submissions (2):

Ambry Genetics
Classification: Uncertain significance. Last evaluated: 2025-11-25. Review status: criteria provided, single submitter. Criteria: Ambry Variant Classification Scheme 2023. Collection method: clinical testing. Allele origin: germline.
Comment: The p.H651N variant (also known as c.1951C>A), located in coding exon 8 of the RNF43 gene, results from a C to A substitution at nucleotide position 1951. The histidine at codon 651 is replaced by asparagine, an amino acid with similar properties. This amino acid position is conserved. In addition, this alteration is predicted to be tolerated by in silico analysis. Based on the available evidence, the clinical significance of this variant remains unclear.

Baylor Genetics
Classification: Uncertain significance for Sessile serrated polyposis cancer syndrome. Last evaluated: 2024-01-26. Review status: criteria provided, single submitter. Criteria: ACMG Guidelines, 2015. Collection method: clinical testing. Allele origin: unknown.